The following is an entry in ClinVar:

ClinVar aggregate classification (germline): Uncertain significance. Review status: criteria provided, multiple submitters, no conflicts (2 of 4 stars). 2 submissions from 2 submitters: Uncertain significance (2). Last evaluated 2025-03-20.

Conditions:
Intellectual disability, autosomal recessive 53 (NEDHSCA). Also called: GLYCOSYLPHOSPHATIDYLINOSITOL BIOSYNTHESIS DEFECT 13; Mental retardation, autosomal recessive 53; NEURODEVELOPMENTAL DISORDER WITH OR WITHOUT HYPOTONIA, SEIZURES, AND CEREBELLAR ATROPHY. Identifiers: Orphanet 488635, MedGen C4310794, MONDO:0014832, OMIM 616917.

Allele frequency attached by ClinVar (database versions not stated): 1000 Genomes Project 30x 0.00062; 1000 Genomes Project 0.00080.
gnomAD v4.1: 94 of 1,612,750 alleles (0.0058%); highest among the groups gnomAD compares: African/African-American, 0.1%; no homozygotes.

Submissions (2):

GeneDx
Classification: Uncertain significance. Last evaluated: 2025-03-20. Review status: criteria provided, single submitter. Criteria: GeneDx Variant Classification Process June 2021. Collection method: clinical testing. Allele origin: germline. Affected: yes.
Comment: In silico analysis indicates that this missense variant does not alter protein structure/function; Has not been previously published as pathogenic or benign to our knowledge

Labcorp Genetics (formerly Invitae), Labcorp
Classification: Uncertain significance for Intellectual disability, autosomal recessive 53. Last evaluated: 2022-10-18. Review status: criteria provided, single submitter. Criteria: Invitae Variant Classification Sherloc (09022015). Collection method: clinical testing. Allele origin: germline.
Comment: This sequence change replaces serine, which is neutral and polar, with cysteine, which is neutral and slightly polar, at codon 55 of the PIGG protein (p.Ser55Cys). This variant is present in population databases (rs34120878, gnomAD 0.1%). This variant has not been reported in the literature in individuals affected with PIGG-related conditions. ClinVar contains an entry for this variant (Variation ID: 476325). Advanced modeling of protein sequence and biophysical properties (such as structural, functional, and spatial information, amino acid conservation, physicochemical variation, residue mobility, and thermodynamic stability) has been performed at Invitae for this missense variant, however the output from this modeling did not meet the statistical confidence thresholds required to predict the impact of this variant on PIGG protein function. In summary, the available evidence is currently insufficient to determine the role of this variant in disease. Therefore, it has been classified as a Variant of Uncertain Significance.

NM_001127178.3(PIGG):c.164C>G (p.Ser55Cys)

Gene: PIGG (phosphatidylinositol glycan anchor biosynthesis class G (EMM blood group); plus strand). Cytogenetic location: 4p16.3.
Variant type: single nucleotide variant.
Coding change: c.164C>G on transcript NM_001127178.3 (MANE Select); coding-DNA position 164, C replaced by G.
Protein change: p.Ser55Cys; replaces serine 55 with cysteine.
Molecular consequence: missense variant. On other transcripts: 5 prime UTR variant (10), non-coding transcript variant (10).
Genome position (GRCh38, 1-based): chr4:500,405, C>G. VCF-style: chr4-500405-C-G. GRCh37 (hg19) VCF-style: chr4-494194-C-G.
Other names: c.-104C>G (NM_001289051.2, NM_001289053.2, NM_001289057.2 and 2 more transcripts); c.164C>G, p.Ser55Cys (NM_001289052.2, NM_001345989.2, NM_017733.5); c.-273C>G (NM_001289055.2); c.-724C>G (NM_001345988.2); c.-1462C>G (NM_001345990.2); c.-1324C>G (NM_001345991.2); c.-1049C>G (NM_001345994.2); short protein forms S55C.
Identifiers: ClinVar variation 476325 (VCV000476325.7), dbSNP rs34120878, ClinGen allele CA2792929.